The following is an entry in ClinVar:

NM_000193.4(SHH):c.770C>A (p.Thr257Lys)

Gene: SHH (sonic hedgehog signaling molecule; minus strand). Cytogenetic location: 7q36.3.
Variant type: single nucleotide variant.
Coding change: c.770C>A on transcript NM_000193.4 (MANE Select); coding-DNA position 770, C replaced by A.
Protein change: p.Thr257Lys; replaces threonine 257 with lysine.
Molecular consequence: missense variant. On other transcripts: intron variant (1).
Genome position (GRCh38, 1-based): chr7:155,803,519, G>T on the plus strand (C>A on the coding strand, the complement: SHH is on the minus strand). VCF-style: chr7-155803519-G-T. GRCh37 (hg19) VCF-style: chr7-155596213-G-T.
Other names: c.301+2777C>A (NM_001310462.2); short protein forms T257K.
Identifiers: ClinVar variation 3605115 (VCV003605115.2).
Genomic context (GRCh38, chr7:155,803,519, plus strand): 5'-TGCGGCGCCACAAAGAGCAGGTGCGCGGCGGTGAGCAGCAGGCGCTCGCGCGGCTCCCGC[G>T]TCTCGATCACGTAGAAGACCTTCTTGGCGCCGTCGTCGCGGTCCAGGAAAGTGAGGAAGT-3'
Protein context (NP_000184.1, residues 247-267): GAKKVFYVIE[Thr257Lys]REPRERLLLT

ClinVar aggregate classification (germline): Uncertain significance (1 of 4 stars; one submission).

Conditions:
Holoprosencephaly 3 (HPE3). Identifiers: Orphanet 2162, MedGen C1840529, MONDO:0007733, OMIM 142945.

Submission:

Labcorp Genetics (formerly Invitae), Labcorp
Classification: Uncertain significance for Holoprosencephaly 3. Last evaluated: 2025-02-03. Review status: criteria provided, single submitter. Criteria: Invitae Variant Classification Sherloc (09022015). Collection method: clinical testing. Allele origin: germline.
Comment: This sequence change replaces threonine, which is neutral and polar, with lysine, which is basic and polar, at codon 257 of the SHH protein (p.Thr257Lys). This variant is not present in population databases (gnomAD no frequency). This variant has not been reported in the literature in individuals affected with SHH-related conditions. Invitae Evidence Modeling of protein sequence and biophysical properties (such as structural, functional, and spatial information, amino acid conservation, physicochemical variation, residue mobility, and thermodynamic stability) indicates that this missense variant is expected to disrupt SHH protein function with a positive predictive value of 80%. In summary, the available evidence is currently insufficient to determine the role of this variant in disease. Therefore, it has been classified as a Variant of Uncertain Significance.